The following is an entry in ClinVar:

NM_003978.5(PSTPIP1):c.-126G>T

Gene: PSTPIP1 (proline-serine-threonine phosphatase interacting protein 1; plus strand). Cytogenetic location: 15q24.3.
Variant type: single nucleotide variant.
Coding change: c.-126G>T on transcript NM_003978.5 (MANE Select); 126 bases upstream of the start codon, G replaced by T.
Molecular consequence: 5 prime UTR variant. On other transcripts: missense variant (1), non-coding transcript variant (1).
Genome position (GRCh38, 1-based): chr15:76,995,448, G>T. VCF-style: chr15-76995448-G-T. GRCh37 (hg19) VCF-style: chr15-77287789-G-T.
Other names: c.-126G>T (NM_001321135.2, NM_001411086.1); c.-372G>T (NM_001321136.2); c.70G>T, p.Gly24Cys (NM_001321137.1); short protein forms G24C.
Identifiers: ClinVar variation 3049058 (VCV003049058.3), dbSNP rs2458253, ClinGen allele CA7675602.

ClinVar aggregate classification (germline): Likely benign. Review status: criteria provided, single submitter (1 of 4 stars). 2 submissions from 2 submitters: Likely benign (1). 1 of the submissions does not count toward it. Last evaluated 2023-10-04.

Conditions:
PSTPIP1-related disorder. Also called: PSTPIP1-related condition.

Allele frequency attached by ClinVar (database versions not stated): 1000 Genomes Project 0.00040; 1000 Genomes Project 30x 0.00047.
gnomAD v4.1: 181 of 1,552,706 alleles (0.012%); highest among the groups gnomAD compares: African/African-American, 0.21%; no homozygotes.

Submissions (2):

Blueprint Genetics
Classification: Likely benign. Last evaluated: 2023-10-04. Review status: criteria provided, single submitter. Criteria: ACMG Guidelines, 2015. Collection method: clinical testing. Allele origin: germline.

PreventionGenetics, part of Exact Sciences
Classification: Likely benign for PSTPIP1-related condition. Last evaluated: 2021-05-06. Review status: no assertion criteria provided. Collection method: clinical testing. Allele origin: germline. Not counted in ClinVar's aggregate classification.
Comment: This variant is classified as likely benign based on ACMG/AMP sequence variant interpretation guidelines (Richards et al. 2015 PMID: 25741868, with internal and published modifications).